The following is an entry in ClinVar:

ClinVar aggregate classification (germline): Uncertain significance. Review status: criteria provided, multiple submitters, no conflicts (2 of 4 stars). 3 submissions from 3 submitters: Uncertain significance (3). Last evaluated 2024-08-28.

Conditions:
Hereditary cancer-predisposing syndrome. Also called: Neoplastic Syndromes, Hereditary; Hereditary neoplastic syndrome; Tumor predisposition; Hereditary Cancer Syndrome. Identifiers: Orphanet 140162, MedGen C0027672, MeSH D009386, MONDO:0015356.
Ataxia-telangiectasia syndrome (AT). Also called: Ataxia telangiectasia (A-T); Cerebello-oculocutaneous telangiectasia; Immunodeficiency with ataxia telangiectasia; LOUIS-BAR SYNDROME; AT, COMPLEMENTATION GROUP C; ATAXIA-TELANGIECTASIA, FRESNO VARIANT. Identifiers: Orphanet 100, MedGen C0004135, MONDO:0008840, OMIM 208900.

Submissions (3):

Ambry Genetics
Classification: Uncertain significance for Hereditary cancer-predisposing syndrome. Last evaluated: 2024-08-28. Review status: criteria provided, single submitter. Criteria: Ambry Variant Classification Scheme 2023. Collection method: clinical testing. Allele origin: germline.
Comment: The p.R2579T variant (also known as c.7736G>C), located in coding exon 51 of the ATM gene, results from a G to C substitution at nucleotide position 7736. The arginine at codon 2579 is replaced by threonine, an amino acid with similar properties. This amino acid position is well conserved in available vertebrate species. In addition, this alteration is predicted to be tolerated by in silico analysis. Based on the available evidence, the clinical significance of this variant remains unclear.

GeneDx
Classification: Uncertain significance. Last evaluated: 2024-03-10. Review status: criteria provided, single submitter. Criteria: GeneDx Variant Classification Process June 2021. Collection method: clinical testing. Allele origin: germline. Affected: yes.
Comment: Not observed at significant frequency in large population cohorts (gnomAD); In silico analysis supports that this missense variant does not alter protein structure/function; Has not been previously published as a pathogenic or benign germline variant to our knowledge; This variant is associated with the following publications: (PMID: 25480502, 27479817)

Labcorp Genetics (formerly Invitae), Labcorp
Classification: Uncertain significance for Ataxia-telangiectasia syndrome. Last evaluated: 2022-07-06. Review status: criteria provided, single submitter. Criteria: Invitae Variant Classification Sherloc (09022015). Collection method: clinical testing. Allele origin: germline.
Comment: This sequence change replaces arginine, which is basic and polar, with threonine, which is neutral and polar, at codon 2579 of the ATM protein (p.Arg2579Thr). This variant is not present in population databases (gnomAD no frequency). This variant has not been reported in the literature in individuals affected with ATM-related conditions. ClinVar contains an entry for this variant (Variation ID: 246325). Algorithms developed to predict the effect of missense changes on protein structure and function output the following: SIFT: "Tolerated"; PolyPhen-2: "Benign"; Align-GVGD: "Class C0". The threonine amino acid residue is found in multiple mammalian species, which suggests that this missense change does not adversely affect protein function. In summary, the available evidence is currently insufficient to determine the role of this variant in disease. Therefore, it has been classified as a Variant of Uncertain Significance.

NM_000051.4(ATM):c.7736G>C (p.Arg2579Thr)

Genes: ATM (ATM serine/threonine kinase; plus strand), C11orf65 (chromosome 11 open reading frame 65; minus strand). Cytogenetic location: 11q22.3.
Variant type: single nucleotide variant.
Coding change: c.7736G>C on transcript NM_000051.4 (MANE Select); coding-DNA position 7736, G replaced by C.
Protein change: p.Arg2579Thr; replaces arginine 2579 with threonine.
Molecular consequence: missense variant. On other transcripts: intron variant (2).
Genome position (GRCh38, 1-based): chr11:108,331,985, G>C. VCF-style: chr11-108331985-G-C. GRCh37 (hg19) VCF-style: chr11-108202712-G-C.
Other names: c.*38+3235C>G (NM_001351110.2); c.7736G>C, p.Arg2579Thr (NM_001351834.2); c.641-22914C>G (NM_001330368.2); short protein forms R2579T.
Identifiers: ClinVar variation 246325 (VCV000246325.16), dbSNP rs879254206, ClinGen allele CA10584369.